The following is an entry in ClinVar:

NM_005257.6(GATA6):c.1483C>T (p.Pro495Ser)

Gene: GATA6 (GATA binding protein 6; plus strand). Cytogenetic location: 18q11.2.
Variant type: single nucleotide variant.
Coding change: c.1483C>T on transcript NM_005257.6 (MANE Select); coding-DNA position 1483, C replaced by T.
Protein change: p.Pro495Ser; replaces proline 495 with serine.
Molecular consequence: missense variant.
Genome position (GRCh38, 1-based): chr18:22,182,811, C>T. VCF-style: chr18-22182811-C-T. GRCh37 (hg19) VCF-style: chr18-19762772-C-T.
Other names: short protein forms P495S.
Identifiers: ClinVar variation 3707063 (VCV003707063.2).
Genomic context (GRCh38, chr18:22,182,811, plus strand): 5'-TTTTAGGTGCCCAGACCACTTGCTATGAAAAAAGAGGGAATTCAAACCAGGAAACGAAAA[C>T]CTAAGAACATAAATAAATCAAAGACTTGCTCTGGTAAATATACTAAAATGACGTTTGACT-3'
Protein context (NP_005248.2, residues 485-505): KEGIQTRKRK[Pro495Ser]KNINKSKTCS

ClinVar aggregate classification (germline): Uncertain significance (1 of 4 stars; one submission).

Conditions:
Atrioventricular septal defect 5 (AVSD5). Identifiers: MedGen C3280939, MONDO:0013769, OMIM 614474.

Submission:

Labcorp Genetics (formerly Invitae), Labcorp
Classification: Uncertain significance for Atrioventricular septal defect 5. Last evaluated: 2025-06-11. Review status: criteria provided, single submitter. Criteria: Invitae Variant Classification Sherloc (09022015). Collection method: clinical testing. Allele origin: germline.
Comment: This sequence change replaces proline, which is neutral and non-polar, with serine, which is neutral and polar, at codon 495 of the GATA6 protein (p.Pro495Ser). This variant is not present in population databases (gnomAD no frequency). This variant has not been reported in the literature in individuals affected with GATA6-related conditions. ClinVar contains an entry for this variant (Variation ID: 3707063). Invitae Evidence Modeling of protein sequence and biophysical properties (such as structural, functional, and spatial information, amino acid conservation, physicochemical variation, residue mobility, and thermodynamic stability) has been performed for this missense variant. However, the output from this modeling did not meet the statistical confidence thresholds required to predict the impact of this variant on GATA6 protein function. In summary, the available evidence is currently insufficient to determine the role of this variant in disease. Therefore, it has been classified as a Variant of Uncertain Significance.